The following is an entry in ClinVar:

ClinVar aggregate classification (germline): Uncertain significance (1 of 4 stars; one submission).

Conditions:
Hereditary spastic paraplegia 47. Also called: Spastic paraplegia 47, autosomal recessive; adaptor protein 4 (AP-4) deficiency syndrome; CEREBRAL PALSY, SPASTIC QUADRIPLEGIC, 5. Identifiers: Orphanet 280763, MedGen C3279738, MONDO:0013551, OMIM 614066.

Submission:

Baylor Genetics
Classification: Uncertain significance for Hereditary spastic paraplegia 47. Last evaluated: 2020-01-06. Review status: criteria provided, single submitter. Criteria: ACMG Guidelines, 2015. Collection method: clinical testing. Allele origin: unknown. Affected: yes.
Comment: This variant was determined to be of uncertain significance according to ACMG Guidelines, 2015 [PMID:25741868].

NM_001253852.3(AP4B1):c.1466C>G (p.Ala489Gly)

Genes: AP4B1 (adaptor related protein complex 4 subunit beta 1; minus strand), AP4B1-AS1 (AP4B1 antisense RNA 1; plus strand). Cytogenetic location: 1p13.2.
Variant type: single nucleotide variant.
Coding change: c.1466C>G on transcript NM_001253852.3 (MANE Select); coding-DNA position 1466, C replaced by G.
Protein change: p.Ala489Gly; replaces alanine 489 with glycine.
Molecular consequence: missense variant.
Genome position (GRCh38, 1-based): chr1:113,896,302, G>C on the plus strand (C>G on the coding strand, the complement: AP4B1 is on the minus strand). VCF-style: chr1-113896302-G-C. GRCh37 (hg19) VCF-style: chr1-114438924-G-C.
Other names: c.1169C>G, p.Ala390Gly (NM_001253853.3); c.962C>G, p.Ala321Gly (NM_001308312.2); c.1466C>G, p.Ala489Gly (NM_006594.5); short protein forms A321G, A390G, A489G.
Identifiers: ClinVar variation 1028529 (VCV001028529.1), dbSNP rs1667457042, ClinGen allele CA341709886.